The following is an entry in ClinVar:

ClinVar aggregate classification (germline): Likely benign. Review status: criteria provided, multiple submitters, no conflicts (2 of 4 stars). 2 submissions from 2 submitters: Likely benign (2). Last evaluated 2018-06-16.

Allele frequency attached by ClinVar (database versions not stated): 1000 Genomes Project 0.00419; 1000 Genomes Project 30x 0.00422; gnomAD 0.00778; TOPMed 0.00806; gnomAD exomes 0.01042; ESP Exome Variant Server 0.01051.
gnomAD v4.1: 16,397 of 1,612,942 alleles (1%); highest among the groups gnomAD compares: Middle Eastern, 1.6%; 100 homozygotes.

Submissions (2):

GeneDx
Classification: Likely benign. Last evaluated: 2018-06-16. Review status: criteria provided, single submitter. Criteria: GeneDx Variant Classification (06012015). Collection method: clinical testing. Allele origin: germline. Affected: yes.
Comment: This variant is considered likely benign or benign based on one or more of the following criteria: it is a conservative change, it occurs at a poorly conserved position in the protein, it is predicted to be benign by multiple in silico algorithms, and/or has population frequency not consistent with disease.

Breakthrough Genomics
Classification: Likely benign. Review status: criteria provided, single submitter. Criteria: ACMG Guidelines, 2015. Collection method: not provided. Allele origin: germline. Inheritance: Autosomal dominant inheritance. Affected: yes.

NM_000088.4(COL1A1):c.1822-57G>A

Gene: COL1A1 (collagen type I alpha 1 chain; minus strand). Cytogenetic location: 17q21.33.
Variant type: single nucleotide variant.
Coding change: c.1822-57G>A on transcript NM_000088.4 (MANE Select); 57 bases into the intron before coding-DNA position 1822, G replaced by A.
Molecular consequence: intron variant.
Genome position (GRCh38, 1-based): chr17:50,192,907, C>T on the plus strand (G>A on the coding strand, the complement: COL1A1 is on the minus strand). VCF-style: chr17-50192907-C-T. GRCh37 (hg19) VCF-style: chr17-48270268-C-T.
Identifiers: ClinVar variation 675999 (VCV000675999.2), dbSNP rs41316669, ClinGen allele CA291544477.